The following is an entry in ClinVar:

NM_022051.3(EGLN1):c.820A>C (p.Ser274Arg)

Genes: EGLN1 (egl-9 family hypoxia inducible factor 1; minus strand), LOC129932769 (ATAC-STARR-seq lymphoblastoid active region 2730; plus strand). Cytogenetic location: 1q42.2.
Variant type: single nucleotide variant.
Coding change: c.820A>C on transcript NM_022051.3 (MANE Select); coding-DNA position 820, A replaced by C.
Protein change: p.Ser274Arg; replaces serine 274 with arginine.
Molecular consequence: missense variant.
Genome position (GRCh38, 1-based): chr1:231,421,069, T>G on the plus strand (A>C on the coding strand, the complement: EGLN1 is on the minus strand). VCF-style: chr1-231421069-T-G. GRCh37 (hg19) VCF-style: chr1-231556815-T-G.
Other names: c.820A>C, p.Ser274Arg (NM_001377260.1, NM_001377261.1); short protein forms S274R.
Identifiers: ClinVar variation 1762459 (VCV001762459.3), dbSNP rs1238869724, ClinGen allele CA345235052.
Genomic context (GRCh38, chr1:231,421,069, plus strand): 5'-CATTGATTTTGTAGCTGCCCAGCTTCCCGTTACAGTGGCGTATCAGGTCGTCCATGCTGC[T>G]CATGAGCAGCCCAATGGTTTCGCAGCCGGGCTCCTTGCCCTCGATCCAGGTGATCTTATC-3'
Protein context (NP_071334.1, residues 264-284): PGCETIGLLM[Ser274Arg]SMDDLIRHCN

ClinVar aggregate classification (germline): Uncertain significance (1 of 4 stars; one submission).

Allele frequency attached by ClinVar (database versions not stated): gnomAD exomes below 0.00001.
gnomAD v4.1: 2 of 1,614,158 alleles (0.00012%); highest among the groups gnomAD compares: Admixed American, 0.0033%; no homozygotes.

Submission:

Ambry Genetics
Classification: Uncertain significance. Last evaluated: 2025-06-22. Review status: criteria provided, single submitter. Criteria: Ambry Variant Classification Scheme 2023. Collection method: clinical testing. Allele origin: germline.
Comment: The p.S274R variant (also known as c.820A>C), located in coding exon 1 of the EGLN1 gene, results from an A to C substitution at nucleotide position 820. The serine at codon 274 is replaced by arginine, an amino acid with dissimilar properties. This amino acid position is conserved. In addition, the in silico prediction for this alteration is inconclusive. Since supporting evidence is limited at this time, the clinical significance of this alteration remains unclear.